The following is an entry in ClinVar:

ClinVar aggregate classification (germline): Uncertain significance (1 of 4 stars; one submission).

Conditions:
Sialuria. Also called: SIALURIA, FRENCH TYPE; Sialic Acid Storage Disease. Identifiers: Orphanet 3166, MedGen C0342853, MONDO:0010028, OMIM 269921.
GNE myopathy (NM). Also called: NONAKA DISTAL MYOPATHY; INCLUSION BODY MYOPATHY, HEREDITARY, AUTOSOMAL RECESSIVE; INCLUSION BODY MYOPATHY 2, AUTOSOMAL RECESSIVE; MYOPATHY, DISTAL, WITH OR WITHOUT RIMMED VACUOLES; Inclusion body myopathy autosomal recessive; Inclusion body myopathy quadriceps sparing. Identifiers: Orphanet 602, MedGen C1853926, MONDO:0011603, OMIM 605820.

gnomAD v4.1: 1 of 1,611,670 alleles (0.000062%); highest among the groups gnomAD compares: Non-Finnish European, 0.000085%; no homozygotes.

Submission:

Labcorp Genetics (formerly Invitae), Labcorp
Classification: Uncertain significance for Sialuria; GNE myopathy. Last evaluated: 2025-09-24. Review status: criteria provided, single submitter. Criteria: Invitae Variant Classification Sherloc (09022015). Collection method: clinical testing. Allele origin: germline.
Comment: This sequence change replaces isoleucine, which is neutral and non-polar, with threonine, which is neutral and polar, at codon 427 of the GNE protein (p.Ile427Thr). This variant is not present in population databases (gnomAD no frequency). This variant has not been reported in the literature in individuals affected with GNE-related conditions. Invitae Evidence Modeling of protein sequence and biophysical properties (such as structural, functional, and spatial information, amino acid conservation, physicochemical variation, residue mobility, and thermodynamic stability) has been performed for this missense variant. However, the output from this modeling did not meet the statistical confidence thresholds required to predict the impact of this variant on GNE protein function. In summary, the available evidence is currently insufficient to determine the role of this variant in disease. Therefore, it has been classified as a Variant of Uncertain Significance.

NM_005476.7(GNE):c.1187T>C (p.Ile396Thr)

Gene: GNE (glucosamine (UDP-N-acetyl)-2-epimerase/N-acetylmannosamine kinase; minus strand). Cytogenetic location: 9p13.3.
Variant type: single nucleotide variant.
Coding change: c.1187T>C on transcript NM_005476.7 (MANE Select); coding-DNA position 1187, T replaced by C.
Protein change: p.Ile396Thr; replaces isoleucine 396 with threonine.
Molecular consequence: missense variant.
Genome position (GRCh38, 1-based): chr9:36,227,342, A>G on the plus strand (T>C on the coding strand, the complement: GNE is on the minus strand). VCF-style: chr9-36227342-A-G. GRCh37 (hg19) VCF-style: chr9-36227339-A-G.
Other names: c.1280T>C, p.Ile427Thr (NM_001128227.3); c.1187T>C, p.Ile396Thr (NM_001190383.3); c.857T>C, p.Ile286Thr (NM_001190384.3); c.1010T>C, p.Ile337Thr (NM_001190388.2, NM_001374798.1); c.1034T>C, p.Ile345Thr (NM_001374797.1); short protein forms I345T, I286T, I427T, I337T, I396T.
Identifiers: ClinVar variation 4794779 (VCV004794779.1).
Genomic context (GRCh38, chr9:36,227,342, plus strand): 5'-CCGCCAAGATCAACGGCCAAGGCACTTAGAGTTTCAAGAATATGGTCAATATCTTGAGAG[A>G]TATTCTCCTTCACAGGAGGAAAGCAGAATTTCTTTTGCAGTGGCTCTTGAAGATCGATAG-3'
Protein context (NP_005467.1, residues 386-406): KFCFPPVKEN[Ile396Thr]SQDIDHILET